The following is an entry in ClinVar:

NM_006031.6(PCNT):c.2718G>C (p.Glu906Asp)

Gene: PCNT (pericentrin; plus strand). Cytogenetic location: 21q22.3.
Variant type: single nucleotide variant.
Coding change: c.2718G>C on transcript NM_006031.6 (MANE Select); coding-DNA position 2718, G replaced by C.
Protein change: p.Glu906Asp; replaces glutamic acid 906 with aspartic acid.
Molecular consequence: missense variant.
Genome position (GRCh38, 1-based): chr21:46,366,692, G>C. VCF-style: chr21-46366692-G-C. GRCh37 (hg19) VCF-style: chr21-47786607-G-C.
Other names: c.2364G>C, p.Glu788Asp (NM_001315529.2); short protein forms E788D, E906D.
Identifiers: ClinVar variation 4989082 (VCV004989082.1).
Genomic context (GRCh38, chr21:46,366,692, plus strand): 5'-AGATGCCTTCCTGCAGGAGGCCCAGGAGCAGCATGCCCGTGAGCTGCAGCTCCTCCAGGA[G>C]AGACACCAGCAGCAGCTCCTGTCAGTGACGGCGGAGCTCGAGGCCAGACACCAGGCCGCG-3'
Protein context (NP_006022.3, residues 896-916): QHARELQLLQ[Glu906Asp]RHQQQLLSVT

ClinVar aggregate classification (germline): Uncertain significance (1 of 4 stars; one submission).

Conditions:
PCNT-related disorder. Also called: PCNT-related condition.

gnomAD v4.1: 1 of 1,613,860 alleles (0.000062%); no homozygotes.

Submission:

PreventionGenetics, part of Exact Sciences
Classification: Uncertain significance for PCNT-related condition. Last evaluated: 2025-03-13. Review status: criteria provided, single submitter. Criteria: ACMG Guidelines, 2015. Collection method: clinical testing. Allele origin: germline.
Comment: The PCNT c.2718G>C variant is predicted to result in the amino acid substitution p.Glu906Asp. To our knowledge, this variant has not been reported in the literature. This variant is reported in 0.0046% of alleles in individuals of European (Finnish) descent in gnomAD. At this time, the clinical significance of this variant is uncertain due to the absence of conclusive functional and genetic evidence.